The following is an entry in ClinVar:

ClinVar aggregate classification (germline): Likely benign (1 of 4 stars; one submission).

Conditions:
Congenital stationary night blindness 1D. Also called: Night blindness, congenital stationary (complete), 1D, autosomal recessive. Identifiers: Orphanet 215, MedGen C3151193, MONDO:0013450, OMIM 613830.

Allele frequency attached by ClinVar (database versions not stated): gnomAD exomes 0.00055; gnomAD 0.00708 and 0.00760; TOPMed 0.00779; 1000 Genomes Project 0.00978; 1000 Genomes Project 30x 0.01046.
gnomAD v4.1: 1,539 of 985,318 alleles (0.16%); highest among the groups gnomAD compares: African/African-American, 2.5%; 22 homozygotes.

Submission:

Illumina Laboratory Services, Illumina
Classification: Likely benign for Congenital stationary night blindness 1D. Last evaluated: 2017-04-27. Review status: criteria provided, single submitter. Criteria: ICSL Variant Classification Criteria 13 December 2019. Collection method: clinical testing. Allele origin: germline.
Comment: This variant was observed as part of a predisposition screen in an ostensibly healthy population. A literature search was performed for the gene, cDNA change, and amino acid change (where applicable). No publications were found based on this search. Allele frequency data from public databases allowed determination this variant is unlikely to cause disease. Therefore, this variant is classified as likely benign.

NM_004727.3(SLC24A1):c.*1931C>T

Gene: SLC24A1 (solute carrier family 24 member 1; plus strand). Cytogenetic location: 15q22.31.
Variant type: single nucleotide variant.
Coding change: c.*1931C>T on transcript NM_004727.3 (MANE Select); 1931 bases downstream of the stop codon, C replaced by T.
Molecular consequence: 3 prime UTR variant. On other transcripts: intron variant (1).
Genome position (GRCh38, 1-based): chr15:65,656,010, C>T. VCF-style: chr15-65656010-C-T. GRCh37 (hg19) VCF-style: chr15-65948348-C-T.
Other names: c.*1931C>T (NM_001254740.2, NM_001301031.1, NM_001301032.1); c.2996+3202C>T (NM_001301033.2).
Identifiers: ClinVar variation 316826 (VCV000316826.5), dbSNP rs75577183, ClinGen allele CA10647282.
Genomic context (GRCh38, chr15:65,656,010, plus strand): 5'-TGTTCCAATTCTATATTCTTAATTATCCTTATTCCTGATGCTACTGCATTGCTGGGTTTC[C>T]ATAGCCAAGGCCTAAGAACAGGAGGAGAAGGCAATGCTTGTGGGAGGGAGGTCCCAATAC-3'